The following is an entry in ClinVar:

NM_012213.3(MLYCD):c.793A>G (p.Ile265Val)

Gene: MLYCD (malonyl-CoA decarboxylase; plus strand). Cytogenetic location: 16q23.3.
Variant type: single nucleotide variant.
Coding change: c.793A>G on transcript NM_012213.3 (MANE Select); coding-DNA position 793, A replaced by G.
Protein change: p.Ile265Val; replaces isoleucine 265 with valine.
Molecular consequence: missense variant.
Genome position (GRCh38, 1-based): chr16:83,908,277, A>G. VCF-style: chr16-83908277-A-G. GRCh37 (hg19) VCF-style: chr16-83941882-A-G.
Other names: short protein forms I265V.
Identifiers: ClinVar variation 2095249 (VCV002095249.5), dbSNP rs2507382382, ClinGen allele CA396919084.

ClinVar aggregate classification (germline): Uncertain significance. Review status: criteria provided, multiple submitters, no conflicts (2 of 4 stars). 2 submissions from 2 submitters: Uncertain significance (2). Last evaluated 2022-05-19.

Conditions:
Inborn genetic diseases. Identifiers: MedGen C0950123, MeSH D030342.
Deficiency of malonyl-CoA decarboxylase. Also called: Malonic aciduria; MCD deficiency. Identifiers: Orphanet 943, MedGen C0342793, MONDO:0009556, OMIM 248360.

Submissions (2):

Labcorp Genetics (formerly Invitae), Labcorp
Classification: Uncertain significance for Deficiency of malonyl-CoA decarboxylase. Last evaluated: 2022-05-19. Review status: criteria provided, single submitter. Criteria: Invitae Variant Classification Sherloc (09022015). Collection method: clinical testing. Allele origin: germline.
Comment: Algorithms developed to predict the effect of missense changes on protein structure and function (SIFT, PolyPhen-2, Align-GVGD) all suggest that this variant is likely to be tolerated. In summary, the available evidence is currently insufficient to determine the role of this variant in disease. Therefore, it has been classified as a Variant of Uncertain Significance. This variant has not been reported in the literature in individuals affected with MLYCD-related conditions. This sequence change replaces isoleucine, which is neutral and non-polar, with valine, which is neutral and non-polar, at codon 265 of the MLYCD protein (p.Ile265Val). This variant is not present in population databases (gnomAD no frequency).

Ambry Genetics
Classification: Uncertain significance for Inborn genetic diseases. Last evaluated: 2021-11-10. Review status: criteria provided, single submitter. Criteria: Ambry Variant Classification Scheme 2023. Collection method: clinical testing. Allele origin: germline.